The following is an entry in ClinVar:

NM_000064.4(C3):c.164T>C (p.Val55Ala)

Gene: C3 (complement C3; minus strand). Cytogenetic location: 19p13.3.
Variant type: single nucleotide variant.
Coding change: c.164T>C on transcript NM_000064.4 (MANE Select); coding-DNA position 164, T replaced by C.
Protein change: p.Val55Ala; replaces valine 55 with alanine.
Molecular consequence: missense variant.
Genome position (GRCh38, 1-based): chr19:6,719,314, A>G on the plus strand (T>C on the coding strand, the complement: C3 is on the minus strand). VCF-style: chr19-6719314-A-G. GRCh37 (hg19) VCF-style: chr19-6719325-A-G.
Other names: short protein forms V55A.
Identifiers: ClinVar variation 2166491 (VCV002166491.4), dbSNP rs1477866705, ClinGen allele CA403646134.

ClinVar aggregate classification (germline): Uncertain significance (1 of 4 stars; one submission).

gnomAD v4.1: 5 of 1,614,026 alleles (0.00031%); highest among the groups gnomAD compares: Admixed American, 0.0017%; no homozygotes.

Submission:

Labcorp Genetics (formerly Invitae), Labcorp
Classification: Uncertain significance. Last evaluated: 2025-12-15. Review status: criteria provided, single submitter. Criteria: Invitae Variant Classification Sherloc (09022015). Collection method: clinical testing. Allele origin: germline.
Comment: This sequence change replaces valine, which is neutral and non-polar, with alanine, which is neutral and non-polar, at codon 55 of the C3 protein (p.Val55Ala). This variant is present in population databases (no rsID available, gnomAD no frequency). This variant has not been reported in the literature in individuals affected with C3-related conditions. ClinVar contains an entry for this variant (Variation ID: 2166491). Invitae Evidence Modeling of protein sequence and biophysical properties (such as structural, functional, and spatial information, amino acid conservation, physicochemical variation, residue mobility, and thermodynamic stability) indicates that this missense variant is not expected to disrupt C3 protein function with a negative predictive value of 80%. In summary, the available evidence is currently insufficient to determine the role of this variant in disease. Therefore, it has been classified as a Variant of Uncertain Significance.